The following is an entry in ClinVar:

ClinVar aggregate classification (germline): Uncertain significance (1 of 4 stars; one submission).

Submission:

GeneDx
Classification: Uncertain significance. Last evaluated: 2023-05-01. Review status: criteria provided, single submitter. Criteria: GeneDx Variant Classification Process June 2021. Collection method: clinical testing. Allele origin: germline. Affected: yes.
Comment: Not observed at significant frequency in large population cohorts (gnomAD); In silico analysis supports that this missense variant has a deleterious effect on protein structure/function; Has not been previously published as pathogenic or benign to our knowledge

NM_015100.4(POGZ):c.1495T>C (p.Cys499Arg)

Gene: POGZ (pogo transposable element derived with ZNF domain; minus strand). Cytogenetic location: 1q21.3.
Variant type: single nucleotide variant.
Coding change: c.1495T>C on transcript NM_015100.4 (MANE Select); coding-DNA position 1495, T replaced by C.
Protein change: p.Cys499Arg; replaces cysteine 499 with arginine.
Molecular consequence: missense variant.
Genome position (GRCh38, 1-based): chr1:151,423,977, A>G on the plus strand (T>C on the coding strand, the complement: POGZ is on the minus strand). VCF-style: chr1-151423977-A-G. GRCh37 (hg19) VCF-style: chr1-151396453-A-G.
Other names: c.1468T>C, p.Cys490Arg (NM_001194937.2); c.1309T>C, p.Cys437Arg (NM_001194938.2); c.1516T>C, p.Cys506Arg (NM_001410860.1); c.1210T>C, p.Cys404Arg (NM_145796.4); c.1336T>C, p.Cys446Arg (NM_207171.2); short protein forms C404R, C437R, C446R, C490R, C499R, C506R.
Identifiers: ClinVar variation 2662085 (VCV002662085.1), dbSNP rs2529436927, ClinGen allele CA341970687.